The following is an entry in ClinVar:

ClinVar aggregate classification (germline): Pathogenic. Review status: criteria provided, multiple submitters, no conflicts (2 of 4 stars). 2 submissions from 2 submitters: Pathogenic (2). Last evaluated 2021-04-27.

Conditions:
BAP1-related tumor predisposition syndrome (TPDS1). Also called: COMMON Syndrome; TUMOR PREDISPOSITION SYNDROME 1; BAP1 tumor predisposition syndrome; Tumor susceptibility linked to germline BAP1 mutations. Identifiers: Orphanet 289539, MedGen C3280492, MONDO:0013692, OMIM 614327.
Hereditary cancer-predisposing syndrome. Also called: Neoplastic Syndromes, Hereditary; Hereditary Cancer Syndrome; Hereditary neoplastic syndrome; Tumor predisposition. Identifiers: Orphanet 140162, MedGen C0027672, MeSH D009386, MONDO:0015356.

Submissions (2):

Ambry Genetics
Classification: Pathogenic for Hereditary cancer-predisposing syndrome. Last evaluated: 2021-04-27. Review status: criteria provided, single submitter. Criteria: Ambry Variant Classification Scheme 2023. Collection method: clinical testing. Allele origin: germline.
Comment: The c.837dupA pathogenic mutation, located in coding exon 10 of the BAP1 gene, results from a duplication of A at nucleotide position 837, causing a translational frameshift with a predicted alternate stop codon (p.Q280Tfs*4). This alteration is expected to result in loss of function by premature protein truncation or nonsense-mediated mRNA decay. As such, this alteration is interpreted as a disease-causing mutation.

Labcorp Genetics (formerly Invitae), Labcorp
Classification: Pathogenic for BAP1-related tumor predisposition syndrome. Last evaluated: 2018-01-02. Review status: criteria provided, single submitter. Criteria: Invitae Variant Classification Sherloc (09022015). Collection method: clinical testing. Allele origin: germline.
Comment: For these reasons, this variant has been classified as Pathogenic. Loss-of-function variants in BAP1 are known to be pathogenic (PMID: 21874000, 23684012). This variant has not been reported in the literature in individuals with BAP1-related disease. This variant is not present in population databases (ExAC no frequency). This sequence change creates a premature translational stop signal (p.Gln280Thrfs*4) in the BAP1 gene. It is expected to result in an absent or disrupted protein product.

Literature cited by the submitters: PubMed 21874000 (cited by Labcorp Genetics (formerly Invitae), Labcorp); PubMed 23684012 (cited by Labcorp Genetics (formerly Invitae), Labcorp).

NM_004656.4(BAP1):c.837dup (p.Gln280fs)

Gene: BAP1 (BRCA1 associated deubiquitinase 1; minus strand). Cytogenetic location: 3p21.1.
Variant type: Duplication.
Coding change: c.837dup on transcript NM_004656.4 (MANE Select); coding-DNA position 837, one base duplicated (A; older notation c.837dupA).
Protein change: p.Gln280fs; shifts the reading frame from glutamine 280.
Molecular consequence: frameshift variant.
Genome position (GRCh38, 1-based): chr3:52,405,859, T duplicated on the plus strand (A on the coding strand, the reverse complement: BAP1 is on the minus strand). VCF-style (leftmost placement, unchanged base first): chr3-52405858-G-GT. GRCh37 (hg19) VCF-style: chr3-52439874-G-GT.
Other names: c.837dupA (NM_004656.3); short protein forms Q280fs.
Identifiers: ClinVar variation 539922 (VCV000539922.8), dbSNP rs1553645492, ClinGen allele CA658796333.
Genomic context (GRCh38, chr3:52,405,858, plus strand): 5'-TGTTTGCTTCCAGCACCAGCGGGGACTTGTTGCTGGCTGACTTGGACTCCTCAGGCAGCT[G>GT]TGACTCTTGAGACTTGTGGGTCTGAATCAGCTCTGGCTGTGTTACTCTTATCAGCTAACA-3'